The following is an entry in ClinVar:

NM_022817.3(PER2):c.1153+10C>G

Gene: PER2 (period circadian regulator 2; minus strand). Cytogenetic location: 2q37.3.
Variant type: single nucleotide variant.
Coding change: c.1153+10C>G on transcript NM_022817.3 (MANE Select); 10 bases into the intron after coding-DNA position 1153, C replaced by G.
Molecular consequence: intron variant.
Genome position (GRCh38, 1-based): chr2:238,262,942, G>C on the plus strand (C>G on the coding strand, the complement: PER2 is on the minus strand). VCF-style: chr2-238262942-G-C. GRCh37 (hg19) VCF-style: chr2-239171583-G-C.
Identifiers: ClinVar variation 3033141 (VCV003033141.2), dbSNP rs375455180, ClinGen allele CA2197518.

ClinVar aggregate classification (germline): Likely benign (0 of 4 stars; one submission).

Conditions:
PER2-related disorder. Also called: PER2-related condition.

Allele frequency attached by ClinVar (database versions not stated): ESP Exome Variant Server 0.00023.
gnomAD v4.1: 48 of 1,571,610 alleles (0.0031%); highest among the groups gnomAD compares: African/African-American, 0.058%; no homozygotes.

Submission:

PreventionGenetics, part of Exact Sciences
Classification: Likely benign for PER2-related condition. Last evaluated: 2019-06-11. Review status: no assertion criteria provided. Collection method: clinical testing. Allele origin: germline.
Comment: This variant is classified as likely benign based on ACMG/AMP sequence variant interpretation guidelines (Richards et al. 2015 PMID: 25741868, with internal and published modifications).